The following is an entry in ClinVar:

NM_005045.4(RELN):c.4907A>G (p.Asp1636Gly)

Gene: RELN (reelin; minus strand). Cytogenetic location: 7q22.1.
Variant type: single nucleotide variant.
Coding change: c.4907A>G on transcript NM_005045.4 (MANE Select); coding-DNA position 4907, A replaced by G.
Protein change: p.Asp1636Gly; replaces aspartic acid 1636 with glycine.
Molecular consequence: missense variant.
Genome position (GRCh38, 1-based): chr7:103,566,253, T>C on the plus strand (A>G on the coding strand, the complement: RELN is on the minus strand). VCF-style: chr7-103566253-T-C. GRCh37 (hg19) VCF-style: chr7-103206700-T-C.
Other names: c.4907A>G, p.Asp1636Gly (NM_173054.3); short protein forms D1636G.
Identifiers: ClinVar variation 130123 (VCV000130123.30), dbSNP rs587780439, ClinGen allele CA231452.
Genomic context (GRCh38, chr7:103,566,253, plus strand): 5'-TATTTTCCCTTTATCTGGTGACAATATATACCTATGTTTTCAGTGAATATCAGAGCAGTA[T>C]CCATAGAGAGACAGTCAATATCAACTTGACCTCCTTGGATTCGATACCAGTTGGCTTGCA-3'
Protein context (NP_005036.2, residues 1626-1646): GQVDIDCLSM[Asp1636Gly]TALIFTENIG

ClinVar aggregate classification (germline): Conflicting classifications of pathogenicity. Review status: criteria provided, conflicting classifications (1 of 4 stars). 6 submissions from 6 submitters: Uncertain significance (5); Likely benign (1). Last evaluated 2026-04-11.

Conditions:
Familial temporal lobe epilepsy 7. Identifiers: Orphanet 101046, MedGen C4225327, MONDO:0014639, OMIM 616436.
Norman-Roberts syndrome (LIS2). Also called: Lissencephaly 2 (Norman-Roberts type). Identifiers: Orphanet 89844, MedGen C0796089, MONDO:0009760, OMIM 257320.
Epilepsy, familial temporal lobe, 1. Identifiers: Orphanet 101046, MedGen CN030884, MONDO:0700090, OMIM 600512.
Inborn genetic diseases. Identifiers: MedGen C0950123, MeSH D030342.

Allele frequency attached by ClinVar (database versions not stated): TOPMed 0.00002; gnomAD 0.00001.
gnomAD v4.1: 12 of 1,613,786 alleles (0.00074%); highest among the groups gnomAD compares: Admixed American, 0.018%; no homozygotes.

Submissions (6):

Ambry Genetics
Classification: Uncertain significance for Inborn genetic diseases. Last evaluated: 2026-04-11. Review status: criteria provided, single submitter. Criteria: Ambry Variant Classification Scheme 2023. Collection method: clinical testing. Allele origin: germline.
Comment: The c.4907A>G (p.D1636G) alteration is located in exon 33 (coding exon 33) of the RELN gene. This alteration results from a A to G substitution at nucleotide position 4907, causing the aspartic acid (D) at amino acid position 1636 to be replaced by a glycine (G). Based on data from gnomAD, the G allele has an overall frequency of 0.002% (6/250634) total alleles studied. The highest observed frequency was 0.017% (6/34542) of Latino alleles. Based on insufficient or conflicting evidence, the clinical significance of this alteration remains unclear.

Labcorp Genetics (formerly Invitae), Labcorp
Classification: Likely benign for Familial temporal lobe epilepsy 7; Norman-Roberts syndrome. Last evaluated: 2025-10-28. Review status: criteria provided, single submitter. Criteria: Invitae Variant Classification Sherloc (09022015). Collection method: clinical testing. Allele origin: germline.

Fulgent Genetics
Classification: Uncertain significance for Norman-Roberts syndrome; Epilepsy, familial temporal lobe, 1; Familial temporal lobe epilepsy 7. Last evaluated: 2022-04-12. Review status: criteria provided, single submitter. Criteria: ACMG Guidelines, 2015. Collection method: clinical testing. Allele origin: unknown.

GeneDx
Classification: Uncertain significance. Last evaluated: 2020-11-03. Review status: criteria provided, single submitter. Criteria: GeneDx Variant Classification Process June 2021. Collection method: clinical testing. Allele origin: germline. Affected: yes.
Comment: In silico analysis supports that this missense variant does not alter protein structure/function; Has not been previously published as pathogenic or benign to our knowledge

Revvity Omics, Revvity
Classification: Uncertain significance for Norman-Roberts syndrome. Last evaluated: 2020-07-08. Review status: criteria provided, single submitter. Criteria: ACMG Guidelines, 2015. Collection method: clinical testing. Allele origin: germline.

Genetic Services Laboratory, University of Chicago
Classification: Uncertain significance. Last evaluated: 2013-12-05. Review status: criteria provided, single submitter. Criteria: ACMG Guidelines, 2007. Collection method: clinical testing. Allele origin: germline. Inheritance: Autosomal recessive inheritance.